The following is an entry in ClinVar:

NM_002890.3(RASA1):c.2666C>A (p.Thr889Asn)

Genes: CCNH (cyclin H; minus strand), RASA1 (RAS p21 protein activator 1; plus strand). Cytogenetic location: 5q14.3.
Variant type: single nucleotide variant.
Coding change: c.2666C>A on transcript NM_002890.3 (MANE Select); coding-DNA position 2666, C replaced by A.
Protein change: p.Thr889Asn; replaces threonine 889 with asparagine.
Molecular consequence: missense variant. On other transcripts: intron variant (1).
Genome position (GRCh38, 1-based): chr5:87,380,571, C>A. VCF-style: chr5-87380571-C-A. GRCh37 (hg19) VCF-style: chr5-86676388-C-A.
Other names: c.2135C>A, p.Thr712Asn (NM_022650.3); c.933+14473G>T (NM_001364075.2); short protein forms T712N, T889N.
Identifiers: ClinVar variation 942988 (VCV000942988.10), dbSNP rs767789983, ClinGen allele CA3336055.

ClinVar aggregate classification (germline): Uncertain significance (1 of 4 stars; one submission).

Conditions:
Capillary malformation-arteriovenous malformation syndrome. Also called: Capillary malformation-arteriovenous malformation. Identifiers: Orphanet 137667, MedGen C1842180, MONDO:0012016.

Allele frequency attached by ClinVar (database versions not stated): gnomAD exomes below 0.00001; ExAC 0.00001; gnomAD 0.00003.
gnomAD v4.1: 5 of 1,612,678 alleles (0.00031%); highest among the groups gnomAD compares: African/African-American, 0.0053%; no homozygotes.

Submission:

Labcorp Genetics (formerly Invitae), Labcorp
Classification: Uncertain significance for Capillary malformation-arteriovenous malformation syndrome. Last evaluated: 2025-12-01. Review status: criteria provided, single submitter. Criteria: Invitae Variant Classification Sherloc (09022015). Collection method: clinical testing. Allele origin: germline.
Comment: This sequence change replaces threonine, which is neutral and polar, with asparagine, which is neutral and polar, at codon 889 of the RASA1 protein (p.Thr889Asn). This variant is present in population databases (rs767789983, gnomAD 0.007%). This variant has not been reported in the literature in individuals affected with RASA1-related conditions. ClinVar contains an entry for this variant (Variation ID: 942988). An algorithm developed to predict the effect of missense changes on protein structure and function outputs the following: PolyPhen-2: "Benign". The asparagine amino acid residue is found in multiple mammalian species, which suggests that this missense change does not adversely affect protein function. In summary, the available evidence is currently insufficient to determine the role of this variant in disease. Therefore, it has been classified as a Variant of Uncertain Significance.